The following is an entry in ClinVar:

ClinVar aggregate classification (germline): Uncertain significance (1 of 4 stars; one submission).

gnomAD v4.1: 2 of 1,599,456 alleles (0.00013%); highest among the groups gnomAD compares: Non-Finnish European, 0.000085%; no homozygotes.

Submission:

Ambry Genetics
Classification: Uncertain significance. Last evaluated: 2022-07-10. Review status: criteria provided, single submitter. Criteria: Ambry Variant Classification Scheme 2023. Collection method: clinical testing. Allele origin: germline.
Comment: The p.L269P variant (also known as c.806T>C), located in coding exon 6 of the BUB3 gene, results from a T to C substitution at nucleotide position 806. The leucine at codon 269 is replaced by proline, an amino acid with similar properties. This amino acid position is conserved. In addition, this alteration is predicted to be deleterious by in silico analysis. Since supporting evidence is limited at this time, the clinical significance of this alteration remains unclear.

NM_004725.4(BUB3):c.806T>C (p.Leu269Pro)

Gene: BUB3 (BUB3 mitotic checkpoint protein; plus strand). Cytogenetic location: 10q26.13.
Variant type: single nucleotide variant.
Coding change: c.806T>C on transcript NM_004725.4 (MANE Select); coding-DNA position 806, T replaced by C.
Protein change: p.Leu269Pro; replaces leucine 269 with proline.
Molecular consequence: missense variant.
Genome position (GRCh38, 1-based): chr10:123,162,663, T>C. VCF-style: chr10-123162663-T-C. GRCh37 (hg19) VCF-style: chr10-124922179-T-C.
Other names: c.806T>C, p.Leu269Pro (NM_001007793.3); short protein forms L269P.
Identifiers: ClinVar variation 1761874 (VCV001761874.2), dbSNP rs1046405277, ClinGen allele CA215183691.